The following is an entry in ClinVar:

ClinVar aggregate classification (germline): Pathogenic. Review status: reviewed by expert panel (3 of 4 stars). 6 submissions from 6 submitters: Pathogenic (1). 5 of the submissions do not count toward it. Last evaluated 2016-09-08.

Conditions:
Hereditary breast ovarian cancer syndrome. Also called: Hereditary breast and ovarian cancer syndrome; Hereditary breast and ovarian cancer; Hereditary breast and ovarian cancer syndrome (HBOC); Breast and ovarian cancer; Hereditary breast and/or ovarian cancer syndrome; BRCA1- and BRCA2-Associated Hereditary Breast and Ovarian Cancer. Identifiers: Orphanet 145, MedGen C0677776, MeSH D061325, MONDO:0003582. Disease mechanism: loss of function.
Breast-ovarian cancer, familial, susceptibility to, 2 (BROVCA2). Also called: BRCA2 Hereditary Breast and Ovarian Cancer. Identifiers: Orphanet 145, MedGen C2675520, MONDO:0012933, OMIM 612555. Disease mechanism: loss of function.
Familial cancer of breast. Also called: BREAST CANCER, FAMILIAL; Hereditary breast cancer; hereditary breast carcinoma. Identifiers: Orphanet 227535, MedGen C0346153, MONDO:0016419, OMIM 114480. Disease mechanism: loss of function.
Hereditary cancer-predisposing syndrome. Also called: Neoplastic Syndromes, Hereditary; Tumor predisposition; Hereditary neoplastic syndrome; Hereditary Cancer Syndrome. Identifiers: Orphanet 140162, MedGen C0027672, MeSH D009386, MONDO:0015356.

Submissions (6):

Evidence-based Network for the Interpretation of Germline Mutant Alleles (ENIGMA)
Classification: Pathogenic for Breast-ovarian cancer, familial, susceptibility to, 2. Last evaluated: 2016-09-08. Review status: reviewed by expert panel. Criteria: ENIGMA BRCA1/2 Classification Criteria (2015). Collection method: curation. Allele origin: germline.
Comment: Variant allele predicted to encode a truncated non-functional protein.

Ambry Genetics
Classification: Pathogenic for Hereditary cancer-predisposing syndrome. Last evaluated: 2025-11-17. Review status: criteria provided, single submitter. Criteria: Ambry Variant Classification Scheme 2023. Collection method: clinical testing. Allele origin: germline. Not counted in ClinVar's aggregate classification.
Comment: The p.L3119* pathogenic mutation (also known as c.9356T>G), located in coding exon 24 of the BRCA2 gene, results from a T to G substitution at nucleotide position 9356. This changes the amino acid from a leucine to a stop codon within coding exon 24. This alteration is expected to result in loss of function by premature protein truncation or nonsense-mediated mRNA decay. As such, this alteration is interpreted as a disease-causing mutation.

Labcorp Genetics (formerly Invitae), Labcorp
Classification: Pathogenic for Hereditary breast ovarian cancer syndrome. Last evaluated: 2022-06-22. Review status: criteria provided, single submitter. Criteria: Invitae Variant Classification Sherloc (09022015). Collection method: clinical testing. Allele origin: germline. Not counted in ClinVar's aggregate classification.
Comment: For these reasons, this variant has been classified as Pathogenic. ClinVar contains an entry for this variant (Variation ID: 52819). This premature translational stop signal has been observed in individual(s) with increased risk and a personal and/or family history of breast and/or ovarian cancer (PMID: 29446198, 30702160). This variant is not present in population databases (gnomAD no frequency). This sequence change creates a premature translational stop signal (p.Leu3119*) in the BRCA2 gene. It is expected to result in an absent or disrupted protein product. Loss-of-function variants in BRCA2 are known to be pathogenic (PMID: 20104584).

Baylor Genetics
Classification: Pathogenic for Familial cancer of breast. Last evaluated: 2021-08-19. Review status: criteria provided, single submitter. Criteria: ACMG Guidelines, 2015. Collection method: clinical testing. Allele origin: unknown. Not counted in ClinVar's aggregate classification.

Consortium of Investigators of Modifiers of BRCA1/2 (CIMBA), c/o University of Cambridge
Classification: Pathogenic for Breast-ovarian cancer, familial, susceptibility to, 2. Last evaluated: 2015-10-02. Review status: criteria provided, single submitter. Criteria: CIMBA Mutation Classification guidelines May 2016. Collection method: clinical testing. Allele origin: germline. Not counted in ClinVar's aggregate classification.

Breast Cancer Information Core (BIC) (BRCA2)
Classification: Pathogenic for Breast-ovarian cancer, familial 2. Review status: no assertion criteria provided. Collection method: clinical testing. Allele origin: germline. Affected: yes. Observed: 2 variant alleles. Not counted in ClinVar's aggregate classification.

Literature cited by the submitters: PubMed 29446198 (cited by Ambry Genetics and Labcorp Genetics (formerly Invitae), Labcorp); PubMed 30702160 (cited by Ambry Genetics and Labcorp Genetics (formerly Invitae), Labcorp); PubMed 20104584 (cited by Labcorp Genetics (formerly Invitae), Labcorp).

NM_000059.4(BRCA2):c.9356T>G (p.Leu3119Ter)

Gene: BRCA2 (BRCA2 DNA repair associated; plus strand). Cytogenetic location: 13q13.1.
Variant type: single nucleotide variant.
Coding change: c.9356T>G on transcript NM_000059.4 (MANE Select); coding-DNA position 9356, T replaced by G.
Protein change: p.Leu3119Ter; replaces leucine 3119 with a stop codon.
Molecular consequence: nonsense.
Genome position (GRCh38, 1-based): chr13:32,394,788, T>G. VCF-style: chr13-32394788-T-G. GRCh37 (hg19) VCF-style: chr13-32968925-T-G.
Other names: short protein forms L3119*.
Identifiers: ClinVar variation 52819 (VCV000052819.12), dbSNP rs80359207, ClinGen allele CA026114.